The following is an entry in ClinVar:

ClinVar aggregate classification (germline): Uncertain significance. Review status: criteria provided, multiple submitters, no conflicts (2 of 4 stars). 2 submissions from 2 submitters: Uncertain significance (2). Last evaluated 2026-01-19.

Conditions:
Inborn genetic diseases. Identifiers: MedGen C0950123, MeSH D030342.
Developmental and epileptic encephalopathy, 37 (DEE37). Also called: Epileptic encephalopathy, early infantile, 37. Identifiers: MedGen C4310770, MONDO:0014859, OMIM 616981.

Allele frequency attached by ClinVar (database versions not stated): gnomAD exomes below 0.00001; gnomAD 0.00001.
gnomAD v4.1: 3 of 1,176,142 alleles (0.00026%); highest among the groups gnomAD compares: South Asian, 0.0072%; no homozygotes.

Submissions (2):

Labcorp Genetics (formerly Invitae), Labcorp
Classification: Uncertain significance for Developmental and epileptic encephalopathy, 37. Last evaluated: 2026-01-19. Review status: criteria provided, single submitter. Criteria: Invitae Variant Classification Sherloc (09022015). Collection method: clinical testing. Allele origin: germline.
Comment: This sequence change replaces leucine, which is neutral and non-polar, with glutamine, which is neutral and polar, at codon 70 of the FRRS1L protein (p.Leu70Gln). The frequency data for this variant in the population databases is considered unreliable, as metrics indicate insufficient coverage at this position in the gnomAD database. This variant has not been reported in the literature in individuals affected with FRRS1L-related conditions. ClinVar contains an entry for this variant (Variation ID: 965543). An algorithm developed to predict the effect of missense changes on protein structure and function (PolyPhen-2) suggests that this variant is likely to be disruptive. In summary, the available evidence is currently insufficient to determine the role of this variant in disease. Therefore, it has been classified as a Variant of Uncertain Significance.

Ambry Genetics
Classification: Uncertain significance for Inborn genetic diseases. Last evaluated: 2025-03-14. Review status: criteria provided, single submitter. Criteria: Ambry Variant Classification Scheme 2023. Collection method: clinical testing. Allele origin: germline.

NM_014334.4(FRRS1L):c.56T>A (p.Leu19Gln)

Gene: FRRS1L (ferric chelate reductase 1 like; minus strand). Cytogenetic location: 9q31.3.
Variant type: single nucleotide variant.
Coding change: c.56T>A on transcript NM_014334.4 (MANE Select); coding-DNA position 56, T replaced by A.
Protein change: p.Leu19Gln; replaces leucine 19 with glutamine.
Molecular consequence: missense variant.
Genome position (GRCh38, 1-based): chr9:109,167,083, A>T on the plus strand (T>A on the coding strand, the complement: FRRS1L is on the minus strand). VCF-style: chr9-109167083-A-T. GRCh37 (hg19) VCF-style: chr9-111929363-A-T.
Other names: short protein forms L19Q.
Identifiers: ClinVar variation 965543 (VCV000965543.8), dbSNP rs1831564352, ClinGen allele CA374430590.